The following is an entry in ClinVar:

NM_000222.3(KIT):c.945C>G (p.Ile315Met)

Gene: KIT (KIT proto-oncogene, receptor tyrosine kinase; plus strand). Cytogenetic location: 4q12.
Variant type: single nucleotide variant.
Coding change: c.945C>G on transcript NM_000222.3 (MANE Select); coding-DNA position 945, C replaced by G.
Protein change: p.Ile315Met; replaces isoleucine 315 with methionine.
Molecular consequence: missense variant.
Genome position (GRCh38, 1-based): chr4:54,707,117, C>G. VCF-style: chr4-54707117-C-G. GRCh37 (hg19) VCF-style: chr4-55573283-C-G.
Other names: c.945C>G, p.Ile315Met (NM_001093772.2, NM_001385285.1, NM_001385286.1); c.948C>G, p.Ile316Met (NM_001385284.1, NM_001385288.1, NM_001385290.1 and 1 more transcripts); short protein forms I315M, I316M.
Identifiers: ClinVar variation 1767023 (VCV001767023.2), dbSNP rs2475478307, ClinGen allele CA356900717.

ClinVar aggregate classification (germline): Uncertain significance (1 of 4 stars; one submission).

Conditions:
Hereditary cancer-predisposing syndrome. Also called: Hereditary Cancer Syndrome; Hereditary neoplastic syndrome; Neoplastic Syndromes, Hereditary; Tumor predisposition. Identifiers: Orphanet 140162, MedGen C0027672, MeSH D009386, MONDO:0015356.

Submission:

Ambry Genetics
Classification: Uncertain significance for Hereditary cancer-predisposing syndrome. Last evaluated: 2022-05-01. Review status: criteria provided, single submitter. Criteria: Ambry Variant Classification Scheme 2023. Collection method: clinical testing. Allele origin: germline.
Comment: The p.I315M variant (also known as c.945C>G), located in coding exon 6 of the KIT gene, results from a C to G substitution at nucleotide position 945. The isoleucine at codon 315 is replaced by methionine, an amino acid with highly similar properties. This amino acid position is conserved. In addition, this alteration is predicted to be tolerated by in silico analysis. Since supporting evidence is limited at this time, the clinical significance of this alteration remains unclear.